The following is an entry in ClinVar:

ClinVar aggregate classification (germline): Uncertain significance (1 of 4 stars; one submission).

Conditions:
Familial focal epilepsy with variable foci (FPEVF). Identifiers: Orphanet 98820, MedGen C1858477, MONDO:0020310.

Allele frequency attached by ClinVar (database versions not stated): gnomAD exomes below 0.00001; TOPMed 0.00001.

Submission:

Labcorp Genetics (formerly Invitae), Labcorp
Classification: Uncertain significance for Familial focal epilepsy with variable foci. Last evaluated: 2024-06-03. Review status: criteria provided, single submitter. Criteria: Invitae Variant Classification Sherloc (09022015). Collection method: clinical testing. Allele origin: germline.
Comment: This sequence change replaces proline, which is neutral and non-polar, with serine, which is neutral and polar, at codon 734 of the DEPDC5 protein (p.Pro734Ser). This variant is present in population databases (no rsID available, gnomAD 0.003%). This variant has not been reported in the literature in individuals affected with DEPDC5-related conditions. ClinVar contains an entry for this variant (Variation ID: 1419336). Experimental studies and prediction algorithms are not available or were not evaluated, and the functional significance of this variant is currently unknown. In summary, the available evidence is currently insufficient to determine the role of this variant in disease. Therefore, it has been classified as a Variant of Uncertain Significance.

NM_001242896.3(DEPDC5):c.2200C>T (p.Pro734Ser)

Gene: DEPDC5 (DEP domain containing 5, GATOR1 subcomplex subunit; plus strand). Cytogenetic location: 22q12.3.
Variant type: single nucleotide variant.
Coding change: c.2200C>T on transcript NM_001242896.3 (MANE Select); coding-DNA position 2200, C replaced by T.
Protein change: p.Pro734Ser; replaces proline 734 with serine.
Molecular consequence: missense variant. On other transcripts: non-coding transcript variant (4).
Genome position (GRCh38, 1-based): chr22:31,837,001, C>T. VCF-style: chr22-31837001-C-T. GRCh37 (hg19) VCF-style: chr22-32232987-C-T.
Other names: c.2173C>T, p.Pro725Ser (NM_001136029.4, NM_001369903.1, NM_014662.6); c.1966C>T, p.Pro656Ser (NM_001242897.2, NM_001363854.2, NM_001364319.2); c.2200C>T, p.Pro734Ser (NM_001363852.2, NM_001364318.2, NM_001364320.2); c.2116C>T, p.Pro706Ser (NM_001369901.1, NM_001369902.1); short protein forms P656S, P706S, P725S, P734S.
Identifiers: ClinVar variation 1419336 (VCV001419336.6), dbSNP rs1348865744, ClinGen allele CA411285146.